The following is an entry in ClinVar:

ClinVar aggregate classification (germline): Benign. Review status: criteria provided, multiple submitters, no conflicts (2 of 4 stars). 2 submissions from 2 submitters: Benign (2). Last evaluated 2018-06-19.

Allele frequency attached by ClinVar (database versions not stated): 1000 Genomes Project 30x 0.04279; 1000 Genomes Project 0.04293; gnomAD 0.05740 and 0.05778; TOPMed 0.06051.
gnomAD v4.1: 119,284 of 1,425,062 alleles (8.4%); highest among the groups gnomAD compares: Middle Eastern, 11%; 5,569 homozygotes.

Submissions (2):

GeneDx
Classification: Benign. Last evaluated: 2018-06-19. Review status: criteria provided, single submitter. Criteria: GeneDx Variant Classification (06012015). Collection method: clinical testing. Allele origin: germline. Affected: yes.
Comment: This variant is considered likely benign or benign based on one or more of the following criteria: it is a conservative change, it occurs at a poorly conserved position in the protein, it is predicted to be benign by multiple in silico algorithms, and/or has population frequency not consistent with disease.

Breakthrough Genomics
Classification: Benign. Review status: criteria provided, single submitter. Criteria: ACMG Guidelines, 2015. Collection method: not provided. Allele origin: germline. Inheritance: Autosomal recessive inheritance. Affected: yes.

NM_001849.4(COL6A2):c.2462-2311A>G

Gene: COL6A2 (collagen type VI alpha 2 chain; plus strand). Cytogenetic location: 21q22.3.
Variant type: single nucleotide variant.
Coding change: c.2462-2311A>G on transcript NM_001849.4 (MANE Select); 2311 bases into the intron before coding-DNA position 2462, A replaced by G.
Molecular consequence: intron variant. On other transcripts: 3 prime UTR variant (2).
Genome position (GRCh38, 1-based): chr21:46,129,643, A>G. VCF-style: chr21-46129643-A-G. GRCh37 (hg19) VCF-style: chr21-47549557-A-G.
Other names: c.*152A>G (NM_058174.3); c.*715A>G (NM_058175.3).
Identifiers: ClinVar variation 680251 (VCV000680251.2), dbSNP rs73161620, ClinGen allele CA14881787.
Genomic context (GRCh38, chr21:46,129,643, plus strand): 5'-GAGATCTGGAATCGGGGTCAGCGGGGCTACAGTCCTTCCAGGGGCTCTGGGGCAGCTCCC[A>G]GCCTCTTCCCATGCTGGTGGCCACCGTGTCCCTTGCTGCGGCTGCATCTTCCAGTCTCTC-3'